The following is an entry in ClinVar:

ClinVar aggregate classification (germline): Pathogenic. Review status: criteria provided, multiple submitters, no conflicts (2 of 4 stars). 9 submissions from 9 submitters: Pathogenic (9). Last evaluated 2025-12-04.

Conditions:
Autosomal recessive limb-girdle muscular dystrophy type 2I. Also called: MUSCULAR DYSTROPHY-DYSTROGLYCANOPATHY (LIMB-GIRDLE), TYPE C, 5; MUSCULAR DYSTROPHY, LIMB-GIRDLE, TYPE 2I; MUSCULAR DYSTROPHY-DYSTROGLYCANOPATHY, LIMB-GIRDLE, FRKP-RELATED. Identifiers: Orphanet 34515, MedGen C1846672, MONDO:0011787, OMIM 607155.
Muscular dystrophy-dystroglycanopathy (congenital with brain and eye anomalies), type A5. Also called: WALKER-WARBURG SYNDROME OR MUSCLE-EYE-BRAIN DISEASE, FKRP-RELATED; MUSCULAR DYSTROPHY-DYSTROGLYCANOPATHY (CONGENITAL WITH BRAIN AND EYE ANOMALIES), TYPE A, 5. Identifiers: Orphanet 588, Orphanet 899, MedGen C3150413, MONDO:0013157, OMIM 613153.
Walker-Warburg congenital muscular dystrophy. Also called: Muscular dystrophy-dystroglycanopathy, type A; Walker-Warburg syndrome. Identifiers: Orphanet 899, MedGen C0265221, MONDO:0000171.
Muscular dystrophy-dystroglycanopathy (congenital with brain and eye anomalies), type A1 (MDDGA1). Also called: Muscular dystrophy-dystroglycanopathy (congenital with brain and eye anomalies), type A, 1; COD-MD SYNDROME; WALKER-WARBURG SYNDROME OR MUSCLE-EYE-BRAIN DISEASE, POMT1-RELATED; Hydrocephalus, agyria and retinal dysplasia; Hard +/- E syndrome; Warburg syndrome. Identifiers: Orphanet 588, Orphanet 899, MedGen C4284790, MONDO:0009364, OMIM 236670.
Muscular dystrophy-dystroglycanopathy type B5 (MDDGB5). Also called: MUSCULAR DYSTROPHY-DYSTROGLYCANOPATHY (CONGENITAL WITH OR WITHOUT IMPAIRED INTELLECTUAL DEVELOPMENT), TYPE B, 5; MUSCULAR DYSTROPHY, CONGENITAL, 1C; MUSCULAR DYSTROPHY, CONGENITAL, FKRP-RELATED. Identifiers: MedGen C1847759, MONDO:0011688, OMIM 606612.

Submissions (9):

Labcorp Genetics (formerly Invitae), Labcorp
Classification: Pathogenic for Walker-Warburg congenital muscular dystrophy. Last evaluated: 2025-12-04. Review status: criteria provided, single submitter. Criteria: Invitae Variant Classification Sherloc (09022015). Collection method: clinical testing. Allele origin: germline.
Comment: This sequence change creates a premature translational stop signal (p.Cys317Alafs*111) in the FKRP gene. While this is not anticipated to result in nonsense mediated decay, it is expected to disrupt the last 179 amino acid(s) of the FKRP protein. The frequency data for this variant in the population databases is considered unreliable, as metrics indicate poor data quality at this position in the gnomAD database. This premature translational stop signal has been observed in individual(s) with limb girdle muscular dystrophy (PMID: 23800702, 27439679, 28931339). In at least one individual the data is consistent with being in trans (on the opposite chromosome) from a pathogenic variant. ClinVar contains an entry for this variant (Variation ID: 664273). This variant disrupts the p.Ala455 amino acid residue in FKRP. Other variant(s) that disrupt this residue have been determined to be pathogenic (PMID: 14652796, 15574464, 16368217, 18671187, 19955119, 23420653, 23894383). This suggests that this residue is clinically significant, and that variants that disrupt this residue are likely to be disease-causing. For these reasons, this variant has been classified as Pathogenic.

Natera, Inc.
Classification: Pathogenic for Limb-girdle muscular dystrophy type 2I. Last evaluated: 2025-01-14. Review status: criteria provided, single submitter. Criteria: Natera Variant Classification Schema (03/2026). Collection method: clinical testing. Allele origin: germline.
Comment: The c.948delC variant in FKRP is a frameshift variant predicted to shift the reading frame beginning at codon 317 and leads to a stop codon 111 codons downstream. This variant is expected to result in nonsense mediated decay, truncation, or a dysfunctional protein product. This variant is rare in the general population with a frequency below the threshold expected for the associated phenotype(s). This variant has been observed in one or more individuals affected with the associated recessive disease, as either homozygous or compound heterozygous with a second variant (PMID: 23800702). Additionally, this variant has been observed to segregate in affected family members (PMID: 23800702). Given the available evidence, this variant is classified as Pathogenic.

Baylor Genetics
Classification: Pathogenic for Muscular dystrophy-dystroglycanopathy (congenital with brain and eye anomalies), type A5. Last evaluated: 2023-09-12. Review status: criteria provided, single submitter. Criteria: ACMG Guidelines, 2015. Collection method: clinical testing. Allele origin: unknown.

GeneDx
Classification: Pathogenic. Last evaluated: 2023-02-09. Review status: criteria provided, single submitter. Criteria: GeneDx Variant Classification Process June 2021. Collection method: clinical testing. Allele origin: germline. Affected: yes.
Comment: Frameshift variant predicted to result in protein truncation, as the last 179 amino acids are replaced with 110 different amino acids, and other loss-of-function variants have been reported downstream in HGMD; This variant is associated with the following publications: (PMID: 30107846, 30003095, 28931339, 27439679, 17055682, 23800702, 21296577, 32576226, 33200426)

Fulgent Genetics
Classification: Pathogenic for Muscular dystrophy-dystroglycanopathy (congenital with brain and eye anomalies), type A1; Muscular dystrophy-dystroglycanopathy type B5; Autosomal recessive limb-girdle muscular dystrophy type 2I; Muscular dystrophy-dystroglycanopathy (congenital with brain and eye anomalies), type A5. Last evaluated: 2022-01-13. Review status: criteria provided, single submitter. Criteria: ACMG Guidelines, 2015. Collection method: clinical testing. Allele origin: unknown.

Genome-Nilou Lab
Classification: Pathogenic for Muscular dystrophy-dystroglycanopathy (congenital with brain and eye anomalies), type A5. Last evaluated: 2021-07-22. Review status: criteria provided, single submitter. Criteria: ACMG Guidelines, 2015. Collection method: clinical testing. Allele origin: germline. Affected: no.

Revvity Omics, Revvity
Classification: Pathogenic. Last evaluated: 2019-12-09. Review status: criteria provided, single submitter. Criteria: ACMG Guidelines, 2015. Collection method: clinical testing. Allele origin: germline.

Juno Genomics, Hangzhou Juno Genomics, Inc
Classification: Pathogenic for Muscular dystrophy-dystroglycanopathy type B5; Muscular dystrophy-dystroglycanopathy (congenital with brain and eye anomalies), type A5; Autosomal recessive limb-girdle muscular dystrophy type 2I. Review status: criteria provided, single submitter. Criteria: ACMG Guidelines, 2015. Collection method: clinical testing. Allele origin: germline.
Comment: Absent from controls (or at extremely low frequency if recessive) in Genome Aggregation Database.;Null variant in a gene where loss of function (LOF) is a known mechanism of disease.;For recessive disorders, detected in trans with a pathogenic variant.

Kariminejad - Najmabadi Pathology & Genetics Center
Classification: Pathogenic for Autosomal recessive limb-girdle muscular dystrophy type 2I. Review status: criteria provided, single submitter. Criteria: ACMG Guidelines, 2015. Collection method: clinical testing. Allele origin: germline. Affected: no.

Literature cited by the submitters: PubMed 23800702 (cited by Labcorp Genetics (formerly Invitae), Labcorp and Natera, Inc.); PubMed 27439679 (cited by Labcorp Genetics (formerly Invitae), Labcorp); PubMed 28931339 (cited by Labcorp Genetics (formerly Invitae), Labcorp); PubMed 14652796 (cited by Labcorp Genetics (formerly Invitae), Labcorp); PubMed 15574464 (cited by Labcorp Genetics (formerly Invitae), Labcorp); PubMed 16368217 (cited by Labcorp Genetics (formerly Invitae), Labcorp); PubMed 18671187 (cited by Labcorp Genetics (formerly Invitae), Labcorp); PubMed 19955119 (cited by Labcorp Genetics (formerly Invitae), Labcorp); PubMed 23420653 (cited by Labcorp Genetics (formerly Invitae), Labcorp); PubMed 23894383 (cited by Labcorp Genetics (formerly Invitae), Labcorp).

NM_024301.5(FKRP):c.948del (p.Cys317fs)

Gene: FKRP (fukutin related protein; plus strand). Cytogenetic location: 19q13.32.
Variant type: Deletion.
Coding change: c.948del on transcript NM_024301.5 (MANE Select); coding-DNA position 948, one base deleted (C; older notation c.948delC).
Protein change: p.Cys317fs; shifts the reading frame from cysteine 317.
Molecular consequence: frameshift variant.
Genome position (GRCh38, 1-based): chr19:46,756,398, C deleted; the last of 6 consecutive C bases (chr19:46,756,393-46,756,398); deleting any one gives the same sequence. VCF-style (leftmost placement, unchanged base first): chr19-46756392-GC-G. GRCh37 (hg19) VCF-style: chr19-47259649-GC-G.
Other names: c.948del (NM_024301.4); c.948del, p.Cys317fs (NM_001039885.3); short protein forms C317fs.
Identifiers: ClinVar variation 664273 (VCV000664273.22), dbSNP rs748798133, ClinGen allele CA9532215.